The following is an entry in ClinVar:

NM_033305.3(VPS13A):c.1042T>C (p.Trp348Arg)

Gene: VPS13A (vacuolar protein sorting 13 homolog A; plus strand). Cytogenetic location: 9q21.2.
Variant type: single nucleotide variant.
Coding change: c.1042T>C on transcript NM_033305.3 (MANE Select); coding-DNA position 1042, T replaced by C.
Protein change: p.Trp348Arg; replaces tryptophan 348 with arginine.
Molecular consequence: missense variant.
Genome position (GRCh38, 1-based): chr9:77,221,237, T>C. VCF-style: chr9-77221237-T-C. GRCh37 (hg19) VCF-style: chr9-79836153-T-C.
Other names: c.1042T>C, p.Trp348Arg (NM_001018037.2, NM_001018038.3, NM_015186.4); short protein forms W348R.
Identifiers: ClinVar variation 4527131 (VCV004527131.1).

ClinVar aggregate classification (germline): Uncertain significance (1 of 4 stars; one submission).

gnomAD v4.1: 11 of 1,613,534 alleles (0.00068%); highest among the groups gnomAD compares: Non-Finnish European, 0.00093%; no homozygotes.

Submission:

GeneDx
Classification: Uncertain significance. Last evaluated: 2025-04-25. Review status: criteria provided, single submitter. Criteria: GeneDx Variant Classification Process June 2021. Collection method: clinical testing. Allele origin: germline. Affected: yes.
Comment: Not observed at significant frequency in large population cohorts (gnomAD); In silico analysis indicates that this missense variant does not alter protein structure/function; Has not been previously published as pathogenic or benign to our knowledge